The following is an entry in ClinVar:

NM_004531.5(MOCS2):c.118G>A (p.Glu40Lys)

Gene: MOCS2 (molybdenum cofactor synthesis 2; minus strand). Cytogenetic location: 5q11.2.
Variant type: single nucleotide variant.
Coding change: c.118G>A on transcript NM_004531.5 (MANE Select); coding-DNA position 118, G replaced by A.
Protein change: p.Glu40Lys; replaces glutamic acid 40 with lysine.
Molecular consequence: missense variant. On other transcripts: 3 prime UTR variant (1).
Genome position (GRCh38, 1-based): chr5:53,102,205, C>T on the plus strand (G>A on the coding strand, the complement: MOCS2 is on the minus strand). VCF-style: chr5-53102205-C-T. GRCh37 (hg19) VCF-style: chr5-52398035-C-T.
Other names: c.*38G>A (NM_176806.4); c.118G>A, p.Glu40Lys (NM_183418.1); short protein forms E40K.
Identifiers: ClinVar variation 2188078 (VCV002188078.2), dbSNP rs753816420, ClinGen allele CA118890026.

ClinVar aggregate classification (germline): Uncertain significance. Review status: criteria provided, multiple submitters, no conflicts (2 of 4 stars). 2 submissions from 2 submitters: Uncertain significance (2). Last evaluated 2024-06-21.

Conditions:
Sulfite oxidase deficiency due to molybdenum cofactor deficiency type B1 (MOCODB1). Also called: Molybdenum cofactor deficiency B; Sulfite oxidase deficiency due to molybdenum cofactor deficiency type B; Molybdenum cofactor deficiency, complementation group B; MOLYBDENUM COFACTOR DEFICIENCY, TYPE B1. Identifiers: Orphanet 308393, Orphanet 833, MedGen C6065887, MONDO:0009644, OMIM 252160.

Allele frequency attached by ClinVar (database versions not stated): gnomAD 0.00001; TOPMed 0.00002.

Submissions (2):

Fulgent Genetics
Classification: Uncertain significance for Sulfite oxidase deficiency due to molybdenum cofactor deficiency type B1. Last evaluated: 2024-06-21. Review status: criteria provided, single submitter. Criteria: ACMG Guidelines, 2015. Collection method: clinical testing. Allele origin: germline.

Labcorp Genetics (formerly Invitae), Labcorp
Classification: Uncertain significance. Last evaluated: 2022-06-08. Review status: criteria provided, single submitter. Criteria: Invitae Variant Classification Sherloc (09022015). Collection method: clinical testing. Allele origin: germline.
Comment: This sequence change replaces glutamic acid, which is acidic and polar, with lysine, which is basic and polar, at codon 40 of the MOCS2B protein (p.Glu40Lys). This variant is present in population databases (no rsID available, gnomAD 0.01%). This variant has not been reported in the literature in individuals affected with MOCS2B-related conditions. Algorithms developed to predict the effect of missense changes on protein structure and function (SIFT, PolyPhen-2, Align-GVGD) all suggest that this variant is likely to be tolerated. In summary, the available evidence is currently insufficient to determine the role of this variant in disease. Therefore, it has been classified as a Variant of Uncertain Significance.